The following is an entry in ClinVar:

ClinVar aggregate classification (germline): Conflicting classifications of pathogenicity. Review status: criteria provided, conflicting classifications (1 of 4 stars). 2 submissions from 2 submitters: Pathogenic (1); Uncertain significance (1). Last evaluated 2025-09-07.

Conditions:
Autosomal dominant Alport syndrome (ATS3A). Also called: Alport syndrome dominant type; Renal failure and sensorineural hearing loss; ALPORT SYNDROME 3A, AUTOSOMAL DOMINANT. Identifiers: Orphanet 63, Orphanet 88918, MedGen C5882663, MONDO:0007086, OMIM 104200.
Hematuria, benign familial, 2 (BFH2). Identifiers: MedGen C5830421, MONDO:0958186, OMIM 620320.
Alport syndrome 3b, autosomal recessive. Identifiers: MedGen C5882699, MONDO:0957811, OMIM 620536.

Submissions (2):

Labcorp Genetics (formerly Invitae), Labcorp
Classification: Uncertain significance. Last evaluated: 2025-09-07. Review status: criteria provided, single submitter. Criteria: Invitae Variant Classification Sherloc (09022015). Collection method: clinical testing. Allele origin: germline.
Comment: This sequence change replaces glycine, which is neutral and non-polar, with arginine, which is basic and polar, at codon 312 of the COL4A3 protein (p.Gly312Arg). This variant is not present in population databases (gnomAD no frequency). This missense change has been observed in individual(s) with clinical features of Alport syndrome (PMID: 24854265, 29854973). ClinVar contains an entry for this variant (Variation ID: 3586000). An algorithm developed to predict the effect of missense changes on protein structure and function (PolyPhen-2) suggests that this variant is likely to be disruptive. Algorithms developed to predict the effect of sequence changes on RNA splicing suggest that this variant may disrupt the consensus splice site. In summary, the available evidence is currently insufficient to determine the role of this variant in disease. Therefore, it has been classified as a Variant of Uncertain Significance.

Fulgent Genetics
Classification: Pathogenic for Autosomal dominant Alport syndrome; Hematuria, benign familial, 2; Alport syndrome 3b, autosomal recessive. Last evaluated: 2024-05-08. Review status: criteria provided, single submitter. Criteria: ACMG Guidelines, 2015. Collection method: clinical testing. Allele origin: germline.

Literature cited by the submitters: PubMed 24854265 (cited by Labcorp Genetics (formerly Invitae), Labcorp); PubMed 29854973 (cited by Labcorp Genetics (formerly Invitae), Labcorp).

NM_000091.5(COL4A3):c.934G>A (p.Gly312Arg)

Genes: COL4A3 (collagen type IV alpha 3 chain; plus strand), MFF-DT (MFF divergent transcript; minus strand). Cytogenetic location: 2q36.3.
Variant type: single nucleotide variant.
Coding change: c.934G>A on transcript NM_000091.5 (MANE Select); coding-DNA position 934, G replaced by A.
Protein change: p.Gly312Arg; replaces glycine 312 with arginine.
Molecular consequence: missense variant.
Genome position (GRCh38, 1-based): chr2:227,256,343, G>A. VCF-style: chr2-227256343-G-A. GRCh37 (hg19) VCF-style: chr2-228121059-G-A.
Other names: short protein forms G312R.
Identifiers: ClinVar variation 3586000 (VCV003586000.2).
Genomic context (GRCh38, chr2:227,256,343, plus strand): 5'-CCCCCAGAAGAAGTTGGCTCCTGTGTCTTCTGACCCATTTCTTTTTGTTCTTTTCTTTAG[G>A]GAGTCAAGGGCAACAGGGGTTTCCCTGGGTTAATGGGTGAAGATGGCATTAAGGTAATCC-3'
Protein context (NP_000082.2, residues 302-322): DGVPGFPGSE[Gly312Arg]VKGNRGFPGL